The following is an entry in ClinVar:

ClinVar aggregate classification (germline): Conflicting classifications of pathogenicity. Review status: criteria provided, conflicting classifications (1 of 4 stars). 14 submissions from 14 submitters: Uncertain significance (5); Benign (1); Likely benign (6). 2 of the submissions do not count toward it. Last evaluated 2026-02-01.

Conditions:
APC-Associated Polyposis Disorders.
Classic or attenuated familial adenomatous polyposis. Identifiers: MedGen CN372698, MONDO:0021057.
Hereditary cancer-predisposing syndrome. Also called: Hereditary neoplastic syndrome; Hereditary Cancer Syndrome; Neoplastic Syndromes, Hereditary; Tumor predisposition. Identifiers: Orphanet 140162, MedGen C0027672, MeSH D009386, MONDO:0015356.
Familial adenomatous polyposis 1 (FAP1). Also called: FAMILIAL ADENOMATOUS POLYPOSIS 1, ATTENUATED; POLYPOSIS, ADENOMATOUS INTESTINAL. Identifiers: MedGen C2713442, MONDO:0021056, OMIM 175100. Disease mechanism: loss of function.
Colon cancer. Also called: Malignant tumor of colon. Identifiers: MedGen C0007102, MONDO:0021063, HP:0003003.

Allele frequency attached by ClinVar (database versions not stated): ExAC 0.00002; TOPMed 0.00002; gnomAD 0.00003.
gnomAD v4.1: 169 of 1,612,762 alleles (0.01%); highest among the groups gnomAD compares: East Asian, 0.36%; no homozygotes.

Submissions (14):

Labcorp Genetics (formerly Invitae), Labcorp
Classification: Likely benign for Familial adenomatous polyposis 1. Last evaluated: 2026-02-01. Review status: criteria provided, single submitter. Criteria: Invitae Variant Classification Sherloc (09022015). Collection method: clinical testing. Allele origin: germline.

Center for Genomic Medicine, Rigshospitalet, Copenhagen University Hospital
Classification: Benign. Last evaluated: 2025-12-29. Review status: criteria provided, single submitter. Criteria: ACMG Guidelines, 2015. Collection method: clinical testing. Allele origin: germline.
Comment: Classification criteria: BA1

Myriad Genetics, Inc.
Classification: Likely benign for Familial adenomatous polyposis 1. Last evaluated: 2025-01-27. Review status: criteria provided, single submitter. Criteria: Myriad Autosomal Dominant, Autosomal Recessive and X-Linked Classification Criteria (2023). Collection method: clinical testing. Allele origin: unknown.
Comment: This variant is considered likely benign. This variant has been observed at a population frequency that is significantly greater than expected given the associated disease prevalence and penetrance.

Color Diagnostics, LLC DBA Color Health
Classification: Likely benign for Hereditary cancer-predisposing syndrome. Last evaluated: 2024-09-24. Review status: criteria provided, single submitter. Criteria: ACMG Guidelines, 2015. Collection method: clinical testing. Allele origin: germline.

Baylor Genetics
Classification: Uncertain significance for Familial adenomatous polyposis 1. Last evaluated: 2023-09-19. Review status: criteria provided, single submitter. Criteria: ACMG Guidelines, 2015. Collection method: clinical testing. Allele origin: unknown.

Institute for Genomic Medicine (IGM) Clinical Laboratory, Nationwide Children's Hospital
Classification: Likely benign for Familial adenomatous polyposis 1. Last evaluated: 2023-05-11. Review status: criteria provided, single submitter. Criteria: ACMG Guidelines, 2015. Collection method: clinical testing. Allele origin: germline.
Comment: This variant results in a missense alteration in a gene for which primarily truncating variants are known to cause disease (ACMG/AMP: BP1). This variant is predicted to be tolerated by multiple in silico tools (ACMG/AMP: BP4).

Department of Pathology and Laboratory Medicine, Sinai Health System
Classification: Uncertain significance for classic or attenuated familial adenomatous polyposis. Last evaluated: 2021-04-09. Review status: criteria provided, single submitter. Criteria: ACMG Guidelines, 2015. Collection method: clinical testing. Allele origin: germline. Affected: yes.

Ambry Genetics
Classification: Likely benign for Hereditary cancer-predisposing syndrome. Last evaluated: 2021-01-26. Review status: criteria provided, single submitter. Criteria: Ambry Variant Classification Scheme 2023. Collection method: clinical testing. Allele origin: germline.

Women's Health and Genetics/Laboratory Corporation of America, LabCorp
Classification: Uncertain significance. Last evaluated: 2019-01-25. Review status: criteria provided, single submitter. Criteria: LabCorp Variant Classification Summary - May 2015. Collection method: clinical testing. Allele origin: germline.
Comment: Variant summary: APC c.757G>A (p.Gly253Ser) results in a non-conservative amino acid change in the encoded protein sequence. Four of five in-silico tools predict a benign effect of the variant on protein function. The variant allele was found at a frequency of 3.3e-05 in 276640 control chromosomes (gnomAD). The available data on variant occurrences in the general population are insufficient to allow any conclusion about variant significance. c.757G>A has been reported in the literature in cancer samples and individuals affected with cancer, specifically T cell acute lymphoblastic leukemia, familial gastrointestinal polyposis/cancers and pancreatic ductal adenocarcinoma (Kohda_2016, Ohmoto_2016, Kalender_2012). These reports do not provide unequivocal conclusions about association of the variant with Familial Adenomatous Polyposis. To our knowledge, no experimental evidence demonstrating an impact on protein function has been reported. Five ClinVar submissions from clinical diagnostic laboratories (evaluation after 2014) cite the variant as uncertain significance. Based on the evidence outlined above, the variant was classified as uncertain significance.

Quest Diagnostics Nichols Institute San Juan Capistrano
Classification: Likely benign. Last evaluated: 2018-12-18. Review status: criteria provided, single submitter. Criteria: Quest Diagnostics criteria. Collection method: clinical testing. Allele origin: unknown.

Mendelics
Classification: Uncertain significance for Familial adenomatous polyposis 1. Last evaluated: 2018-07-02. Review status: criteria provided, single submitter. Criteria: Mendelics Assertion Criteria 2017. Collection method: clinical testing. Allele origin: unknown.

Illumina Laboratory Services, Illumina
Classification: Uncertain significance for APC-Associated Polyposis Disorders. Last evaluated: 2018-01-13. Review status: criteria provided, single submitter. Criteria: ICSL Variant Classification Criteria 13 December 2019. Collection method: clinical testing. Allele origin: germline.

Counsyl
Classification: Uncertain significance for Familial adenomatous polyposis 1. Last evaluated: 2017-06-19. Review status: no assertion criteria provided. Collection method: clinical testing. Allele origin: unknown. Not counted in ClinVar's aggregate classification.

3DMed Clinical Laboratory Inc
Classification: Uncertain significance for Colon cancer. Last evaluated: 2017-06-14. Review status: no assertion criteria provided. Criteria: ACMG Guidelines, 2015. Collection method: clinical testing. Allele origin: germline. Affected: yes. Not counted in ClinVar's aggregate classification.

Literature cited by the submitters: PubMed 26692440 (cited by 4 submitters); PubMed 26837502 (cited by Department of Pathology and Laboratory Medicine, Sinai Health System and Women's Health and Genetics/Laboratory Corporation of America, LabCorp); PubMed 22675565 (cited by 3 submitters); PubMed 30252101 (cited by Quest Diagnostics Nichols Institute San Juan Capistrano).

NM_000038.6(APC):c.757G>A (p.Gly253Ser)

Gene: APC (APC regulator of Wnt signaling pathway; plus strand). Cytogenetic location: 5q22.2.
Variant type: single nucleotide variant.
Coding change: c.757G>A on transcript NM_000038.6 (MANE Select); coding-DNA position 757, G replaced by A.
Protein change: p.Gly253Ser; replaces glycine 253 with serine.
Molecular consequence: missense variant. On other transcripts: 5 prime UTR variant (1).
Genome position (GRCh38, 1-based): chr5:112,801,306, G>A. VCF-style: chr5-112801306-G-A. GRCh37 (hg19) VCF-style: chr5-112137003-G-A.
Other names: c.757G>A, p.Gly253Ser (NM_001127510.3, NM_001354895.2, NM_001354896.2 and 1 more transcripts); c.703G>A, p.Gly235Ser (NM_001127511.3); c.787G>A, p.Gly263Ser (NM_001354897.2, NM_001354902.2); c.682G>A, p.Gly228Ser (NM_001354898.2, NM_001354904.2); c.673G>A, p.Gly225Ser (NM_001354899.2); c.580G>A, p.Gly194Ser (NM_001354900.2, NM_001354901.2, NM_001354905.2); c.-279G>A (NM_001354906.2); short protein forms G235S, G253S, G225S, G194S, G263S, G228S.
Identifiers: ClinVar variation 236647 (VCV000236647.36), dbSNP rs772806807, ClinGen allele CA048563.